The following is an entry in ClinVar:

ClinVar aggregate classification (germline): Uncertain significance (1 of 4 stars; one submission).

Submission:

GeneDx
Classification: Uncertain significance. Last evaluated: 2019-06-26. Review status: criteria provided, single submitter. Criteria: GeneDx Variant Classification Process June 2021. Collection method: clinical testing. Allele origin: germline. Affected: yes.
Comment: Not observed in large population cohorts (Lek et al., 2016); In silico analysis, which includes protein predictors and evolutionary conservation, supports a deleterious effect; Has not been previously published as pathogenic or benign to our knowledge

NM_031407.7(HUWE1):c.12182T>C (p.Leu4061Pro)

Gene: HUWE1 (HECT, UBA and WWE domain containing E3 ubiquitin protein ligase 1; minus strand). Cytogenetic location: Xp11.22.
Variant type: single nucleotide variant.
Coding change: c.12182T>C on transcript NM_031407.7 (MANE Select); coding-DNA position 12182, T replaced by C.
Protein change: p.Leu4061Pro; replaces leucine 4061 with proline.
Molecular consequence: missense variant.
Genome position (GRCh38, 1-based): chrX:53,536,623, A>G on the plus strand (T>C on the coding strand, the complement: HUWE1 is on the minus strand). VCF-style: chrX-53536623-A-G. GRCh37 (hg19) VCF-style: chrX-53563584-A-G.
Other names: short protein forms L4061P.
Identifiers: ClinVar variation 1302549 (VCV001302549.2), dbSNP rs2146881377, ClinGen allele CA413151555.